The following is an entry in ClinVar:

ClinVar aggregate classification (germline): Uncertain significance. Review status: criteria provided, single submitter (1 of 4 stars). 2 submissions from 2 submitters: Uncertain significance (1). 1 of the submissions does not count toward it. Last evaluated 2022-03-10.

Conditions:
RPGRIP1L-related disorder. Also called: RPGRIP1L-related condition; RPGRIP1L-related disorders. Identifiers: MedGen CN239416.
Joubert syndrome. Also called: Familial aplasia of the vermis; JOUBERT-BOLTSHAUSER SYNDROME. Identifiers: Orphanet 475, MedGen C5979921, MONDO:0018772.
Meckel-Gruber syndrome. Also called: Dysencephalia splachnocystica; DYSENCEPHALIA SPLANCHNOCYSTICA; GRUBER SYNDROME. Identifiers: Orphanet 564, MedGen C0265215, MONDO:0018921.

Allele frequency attached by ClinVar (database versions not stated): ExAC 0.00001; gnomAD 0.00001; TOPMed 0.00001; gnomAD exomes 0.00002 and 0.00005.
gnomAD v4.1: 73 of 1,613,964 alleles (0.0045%); highest among the groups gnomAD compares: Non-Finnish European, 0.0058%; no homozygotes.

Submissions (2):

Labcorp Genetics (formerly Invitae), Labcorp
Classification: Uncertain significance for Joubert syndrome; Meckel-Gruber syndrome. Last evaluated: 2022-03-10. Review status: criteria provided, single submitter. Criteria: Invitae Variant Classification Sherloc (09022015). Collection method: clinical testing. Allele origin: germline.
Comment: This sequence change replaces aspartic acid, which is acidic and polar, with asparagine, which is neutral and polar, at codon 826 of the RPGRIP1L protein (p.Asp826Asn). This variant is present in population databases (rs746015353, gnomAD 0.007%). This variant has not been reported in the literature in individuals affected with RPGRIP1L-related conditions. Algorithms developed to predict the effect of missense changes on protein structure and function are either unavailable or do not agree on the potential impact of this missense change (SIFT: "Tolerated"; PolyPhen-2: "Probably Damaging"; Align-GVGD: "Class C0"). In summary, the available evidence is currently insufficient to determine the role of this variant in disease. Therefore, it has been classified as a Variant of Uncertain Significance.

PreventionGenetics, part of Exact Sciences
Classification: Uncertain significance for RPGRIP1L-related condition. Last evaluated: 2024-03-15. Review status: no assertion criteria provided. Collection method: clinical testing. Allele origin: germline. Not counted in ClinVar's aggregate classification.
Comment: The RPGRIP1L c.2476G>A variant is predicted to result in the amino acid substitution p.Asp826Asn. To our knowledge, this variant has not been reported in the literature. This variant is reported in 0.0062% of alleles in individuals of African descent in gnomAD. At this time, the clinical significance of this variant is uncertain due to the absence of conclusive functional and genetic evidence.

NM_015272.5(RPGRIP1L):c.2476G>A (p.Asp826Asn)

Gene: RPGRIP1L (RPGRIP1 like; minus strand). Cytogenetic location: 16q12.2.
Variant type: single nucleotide variant.
Coding change: c.2476G>A on transcript NM_015272.5 (MANE Select); coding-DNA position 2476, G replaced by A.
Protein change: p.Asp826Asn; replaces aspartic acid 826 with asparagine.
Molecular consequence: missense variant.
Genome position (GRCh38, 1-based): chr16:53,645,832, C>T on the plus strand (G>A on the coding strand, the complement: RPGRIP1L is on the minus strand). VCF-style: chr16-53645832-C-T. GRCh37 (hg19) VCF-style: chr16-53679744-C-T.
Other names: c.2476G>A, p.Asp826Asn (NM_001127897.4, NM_001308334.3, NM_001330538.2); c.2476G>A (NM_015272.4); short protein forms D826N.
Identifiers: ClinVar variation 1422139 (VCV001422139.7), dbSNP rs746015353, ClinGen allele CA8057535.